The following is an entry in ClinVar:

NM_005629.4(SLC6A8):c.1659C>G (p.Tyr553Ter)

Gene: SLC6A8 (solute carrier family 6 member 8; plus strand). Cytogenetic location: Xq28.
Variant type: single nucleotide variant.
Coding change: c.1659C>G on transcript NM_005629.4 (MANE Select); coding-DNA position 1659, C replaced by G.
Protein change: p.Tyr553Ter; replaces tyrosine 553 with a stop codon.
Molecular consequence: nonsense.
Genome position (GRCh38, 1-based): chrX:153,694,781, C>G. VCF-style: chrX-153694781-C-G. GRCh37 (hg19) VCF-style: chrX-152960236-C-G.
Other names: c.1629C>G, p.Tyr543Ter (NM_001142805.2); c.1314C>G, p.Tyr438Ter (NM_001142806.1); short protein forms Y553*, Y543*, Y438*.
Identifiers: ClinVar variation 580873 (VCV000580873.6), dbSNP rs1569539466, ClinGen allele CA415090776.

ClinVar aggregate classification (germline): Pathogenic (1 of 4 stars; one submission).

Conditions:
Creatine transporter deficiency (CCDS1). Also called: Creatine Transporter (CRTR) Deficiency; Mental retardation , X-linked with seizures, short stature and midface hypoplasia; Mental retardation , X-linked, with creatine transport deficiency; X-linked creatine transporter deficiency; X-linked creatine deficiency syndrome; SLC6A8-Related Creatine Transporter Deficiency. Identifiers: Orphanet 52503, MedGen C1845862, MONDO:0010305, OMIM 300352.

Submission:

Labcorp Genetics (formerly Invitae), Labcorp
Classification: Pathogenic for Creatine transporter deficiency. Last evaluated: 2018-05-18. Review status: criteria provided, single submitter. Criteria: Invitae Variant Classification Sherloc (09022015). Collection method: clinical testing. Allele origin: germline.
Comment: For these reasons, this variant has been classified as Pathogenic. Loss-of-function variants in SLC6A8 are known to be pathogenic (PMID: 22281021). Algorithms developed to predict the effect of sequence changes on RNA splicing suggest that this variant may create or strengthen a splice site, but this prediction has not been confirmed by published transcriptional studies. This variant has not been reported in the literature in individuals with SLC6A8-related disease. This variant is not present in population databases (ExAC no frequency). This sequence change creates a premature translational stop signal (p.Tyr553*) in the SLC6A8 gene. It is expected to result in an absent or disrupted protein product.

Literature cited by the submitters: PubMed 22281021.